The following is an entry in ClinVar:

ClinVar aggregate classification (germline): Uncertain significance (1 of 4 stars; one submission).

Conditions:
Alstrom syndrome (ALMS). Identifiers: Orphanet 64, MedGen C0268425, MONDO:0008763, OMIM 203800.

Submission:

Labcorp Genetics (formerly Invitae), Labcorp
Classification: Uncertain significance for Alstrom syndrome. Last evaluated: 2021-08-09. Review status: criteria provided, single submitter. Criteria: Invitae Variant Classification Sherloc (09022015). Collection method: clinical testing. Allele origin: germline.
Comment: In summary, the available evidence is currently insufficient to determine the role of this variant in disease. Therefore, it has been classified as a Variant of Uncertain Significance. Experimental studies and prediction algorithms are not available or were not evaluated, and the functional significance of this variant is currently unknown. This variant has not been reported in the literature in individuals affected with ALMS1-related conditions. This variant is not present in population databases (ExAC no frequency). This sequence change replaces serine with isoleucine at codon 1730 of the ALMS1 protein (p.Ser1730Ile). The serine residue is weakly conserved and there is a large physicochemical difference between serine and isoleucine.

NM_001378454.1(ALMS1):c.5186G>T (p.Ser1729Ile)

Gene: ALMS1 (ALMS1 centrosome and basal body associated protein; plus strand). Cytogenetic location: 2p13.1.
Variant type: single nucleotide variant.
Coding change: c.5186G>T on transcript NM_001378454.1 (MANE Select); coding-DNA position 5186, G replaced by T.
Protein change: p.Ser1729Ile; replaces serine 1729 with isoleucine.
Molecular consequence: missense variant.
Genome position (GRCh38, 1-based): chr2:73,451,713, G>T. VCF-style: chr2-73451713-G-T. GRCh37 (hg19) VCF-style: chr2-73678840-G-T.
Other names: c.5189G>T, p.Ser1730Ile (NM_015120.4); short protein forms S1730I, S1729I.
Identifiers: ClinVar variation 1481785 (VCV001481785.6), dbSNP rs2103785437, ClinGen allele CA347280304.